The following is an entry in ClinVar:

ClinVar aggregate classification (germline): Benign (1 of 4 stars; one submission).

Conditions:
Leigh syndrome (NULS). Also called: Leigh's necrotizing encephalopathy; Leigh's disease; Leigh's syndrome; LEIGH SYNDROME, NUCLEAR; Leigh Syndrome (mtDNA deletion); Leigh Disease. Identifiers: Orphanet 506, MedGen C2931891, MONDO:0009723, OMIM 256000.

Submission:

Wong Mito Lab, Molecular and Human Genetics, Baylor College of Medicine
Classification: Benign for Leigh syndrome. Last evaluated: 2019-10-17. Review status: criteria provided, single submitter. Criteria: Modified ACMG Guidelines (Unpublished). Collection method: clinical testing. Allele origin: germline.
Comment: The NC_012920.1:m.14041C>T (YP_003024036.1:p.His569Tyr) variant in MTND5 gene is interpretated to be a Benign variant based on the modified ACMG guidelines (unpublished). This variant meets the following evidence codes: BS1, BS2, BP4

NC_012920.1(MT-ND5):m.14041C>T

Gene: MT-ND5 (mitochondrially encoded NADH dehydrogenase 5; plus strand).
Variant type: single nucleotide variant.
Genome position: chrM-14041-C-T.
Identifiers: ClinVar variation 693653 (VCV000693653.1), dbSNP rs1603224484, ClinGen allele CA414820636.